The following is an entry in ClinVar:

ClinVar aggregate classification (germline): Uncertain significance (1 of 4 stars; one submission).

Conditions:
Leigh syndrome (NULS). Also called: Leigh's necrotizing encephalopathy; Leigh's disease; Leigh's syndrome; LEIGH SYNDROME, NUCLEAR; Leigh Syndrome (mtDNA deletion); Leigh Disease. Identifiers: Orphanet 506, MedGen C2931891, MONDO:0009723, OMIM 256000.

Submission:

Wong Mito Lab, Molecular and Human Genetics, Baylor College of Medicine
Classification: Uncertain significance for Leigh syndrome. Last evaluated: 2019-10-17. Review status: criteria provided, single submitter. Criteria: Modified ACMG Guidelines (Unpublished). Collection method: clinical testing. Allele origin: germline.
Comment: The NC_012920.1:m.14328C>T (YP_003024037.1:p.Val116Met) variant in MTND6 gene is interpretated to be a Uncertain Significance variant based on the modified ACMG guidelines (unpublished). This variant meets the following evidence codes: BP4

NC_012920.1(MT-ND6):m.14328C>T

Gene: MT-ND6 (mitochondrially encoded NADH dehydrogenase 6; minus strand).
Variant type: single nucleotide variant.
Genome position: chrM-14328-C-T.
Identifiers: ClinVar variation 693710 (VCV000693710.1), dbSNP rs1603224675, ClinGen allele CA414821973.